The following is an entry in ClinVar:

NM_001365536.1(SCN9A):c.1643G>A (p.Arg548Gln)

Genes: SCN9A (sodium voltage-gated channel alpha subunit 9; minus strand), SCN1A-AS1 (SCN1A and SCN9A antisense RNA 1; plus strand). Cytogenetic location: 2q24.3.
Variant type: single nucleotide variant.
Coding change: c.1643G>A on transcript NM_001365536.1 (MANE Select); coding-DNA position 1643, G replaced by A.
Protein change: p.Arg548Gln; replaces arginine 548 with glutamine.
Molecular consequence: missense variant.
Genome position (GRCh38, 1-based): chr2:166,284,784, C>T on the plus strand (G>A on the coding strand, the complement: SCN9A is on the minus strand). VCF-style: chr2-166284784-C-T. GRCh37 (hg19) VCF-style: chr2-167141294-C-T.
Other names: c.1643G>A, p.Arg548Gln (NM_002977.4); short protein forms R548Q.
Identifiers: ClinVar variation 471088 (VCV000471088.12), dbSNP rs201247595, ClinGen allele CA1944458.

ClinVar aggregate classification (germline): Uncertain significance. Review status: criteria provided, multiple submitters, no conflicts (2 of 4 stars). 2 submissions from 2 submitters: Uncertain significance (2). Last evaluated 2025-10-29.

Conditions:
Neuropathy, hereditary sensory and autonomic, type 2A (HSAN2A). Also called: ACROOSTEOLYSIS, NEUROGENIC; ACROOSTEOLYSIS, GIACCAI TYPE; MORVAN DISEASE; NEUROPATHY, CONGENITAL SENSORY; NEUROPATHY, HEREDITARY SENSORY RADICULAR, AUTOSOMAL RECESSIVE; NEUROPATHY, HEREDITARY SENSORY, TYPE IIA. Identifiers: Orphanet 970, MedGen C2752089, MONDO:0024309, OMIM 201300.
Generalized epilepsy with febrile seizures plus, type 7 (GEFSP7). Also called: GEFS+, TYPE 7. Identifiers: Orphanet 36387, MedGen C2751778, MONDO:0013470, OMIM 613863.
Inborn genetic diseases. Identifiers: MedGen C0950123, MeSH D030342.

Allele frequency attached by ClinVar (database versions not stated): ExAC 0.00003; gnomAD 0.00004; gnomAD exomes 0.00004 and 0.00008; TOPMed 0.00005; ESP Exome Variant Server 0.00008.

Submissions (2):

Labcorp Genetics (formerly Invitae), Labcorp
Classification: Uncertain significance for Neuropathy, hereditary sensory and autonomic, type 2A; Generalized epilepsy with febrile seizures plus, type 7. Last evaluated: 2025-10-29. Review status: criteria provided, single submitter. Criteria: Invitae Variant Classification Sherloc (09022015). Collection method: clinical testing. Allele origin: germline.
Comment: This sequence change replaces arginine, which is basic and polar, with glutamine, which is neutral and polar, at codon 548 of the SCN9A protein (p.Arg548Gln). This variant is present in population databases (rs201247595, gnomAD 0.006%). This variant has not been reported in the literature in individuals affected with SCN9A-related conditions. ClinVar contains an entry for this variant (Variation ID: 471088). Invitae Evidence Modeling of protein sequence and biophysical properties (such as structural, functional, and spatial information, amino acid conservation, physicochemical variation, residue mobility, and thermodynamic stability) indicates that this missense variant is not expected to disrupt SCN9A protein function with a negative predictive value of 95%. In summary, the available evidence is currently insufficient to determine the role of this variant in disease. Therefore, it has been classified as a Variant of Uncertain Significance.

Ambry Genetics
Classification: Uncertain significance for Inborn genetic diseases. Last evaluated: 2023-04-26. Review status: criteria provided, single submitter. Criteria: Ambry Variant Classification Scheme 2023. Collection method: clinical testing. Allele origin: germline.